The following is an entry in ClinVar:

NM_001035.3(RYR2):c.9518C>T (p.Thr3173Ile)

Gene: RYR2 (ryanodine receptor 2; plus strand). Cytogenetic location: 1q43.
Variant type: single nucleotide variant.
Coding change: c.9518C>T on transcript NM_001035.3 (MANE Select); coding-DNA position 9518, C replaced by T.
Protein change: p.Thr3173Ile; replaces threonine 3173 with isoleucine.
Molecular consequence: missense variant.
Genome position (GRCh38, 1-based): chr1:237,705,281, C>T. VCF-style: chr1-237705281-C-T. GRCh37 (hg19) VCF-style: chr1-237868581-C-T.
Other names: p.T3173I:ACT>ATT; c.9518C>T, p.Thr3173Ile (LRG_402t1); short protein forms T3173I.
Identifiers: ClinVar variation 201295 (VCV000201295.22), dbSNP rs746161154, ClinGen allele CA011222.
Genomic context (GRCh38, chr1:237,705,281, plus strand): 5'-CTGCATTAGGAGAATGTCTAGCTGCCTTTGCTGGTGCTTTTCCTGTAGCATTTTTGGAAA[C>T]TCATCTGGACAAACATAATATTTACTCCATCTACAATACCAAGTCTTCACGAGAAAGAGC-3'
Protein context (NP_001026.2, residues 3163-3183): AGAFPVAFLE[Thr3173Ile]HLDKHNIYSI

ClinVar aggregate classification (germline): Conflicting classifications of pathogenicity. Review status: criteria provided, conflicting classifications (1 of 4 stars). 5 submissions from 5 submitters: Uncertain significance (4); Likely benign (1). Last evaluated 2025-11-22.

Conditions:
Cardiovascular phenotype. Identifiers: MedGen CN230736.
Catecholaminergic polymorphic ventricular tachycardia (CVPT). Also called: Catecholamine-induced polymorphic ventricular tachycardia. Identifiers: Orphanet 3286, MedGen C5574922, MONDO:0017990.
Catecholaminergic polymorphic ventricular tachycardia 1. Also called: RYR2-Related Catecholaminergic Polymorphic Ventricular Tachycardia; VENTRICULAR TACHYCARDIA, CATECHOLAMINERGIC POLYMORPHIC, 1, WITH OR WITHOUT ATRIAL DYSFUNCTION AND/OR DILATED CARDIOMYOPATHY; VENTRICULAR TACHYCARDIA, STRESS-INDUCED POLYMORPHIC 1. Identifiers: Orphanet 3286, MedGen C1631597, MONDO:0011484, OMIM 604772.
Cardiomyopathy (CMYO). Also called: Cardiomyopathies. Identifiers: Orphanet 167848, MedGen C0878544, MONDO:0004994, HP:0001638. Inheritance: Various modes of inheritance.

Allele frequency attached by ClinVar (database versions not stated): ExAC 0.00001; gnomAD exomes 0.00001 and 0.00002; TOPMed 0.00006; gnomAD 0.00007 and 0.00008.
gnomAD v4.1: 21 of 1,604,870 alleles (0.0013%); highest among the groups gnomAD compares: African/African-American, 0.027%; no homozygotes.

Submissions (5):

Labcorp Genetics (formerly Invitae), Labcorp
Classification: Likely benign for Catecholaminergic polymorphic ventricular tachycardia 1. Last evaluated: 2025-11-22. Review status: criteria provided, single submitter. Criteria: Invitae Variant Classification Sherloc (09022015). Collection method: clinical testing. Allele origin: germline.

Ambry Genetics
Classification: Uncertain significance for Cardiovascular phenotype. Last evaluated: 2025-08-29. Review status: criteria provided, single submitter. Criteria: Ambry Variant Classification Scheme 2023. Collection method: clinical testing. Allele origin: germline.
Comment: The p.T3173I variant (also known as c.9518C>T), located in coding exon 67 of the RYR2 gene, results from a C to T substitution at nucleotide position 9518. The threonine at codon 3173 is replaced by isoleucine, an amino acid with similar properties. This amino acid position is not well conserved in available vertebrate species. In addition, the in silico prediction for this alteration is inconclusive. Based on the available evidence, the clinical significance of this variant remains unclear.

All of Us Research Program, National Institutes of Health
Classification: Uncertain significance for Catecholaminergic polymorphic ventricular tachycardia. Last evaluated: 2024-09-23. Review status: criteria provided, single submitter. Criteria: ACMG Guidelines, 2015. Collection method: clinical testing. Allele origin: germline. Inheritance: Autosomal dominant inheritance. Observed: 9 variant alleles, 9 heterozygotes.
Comment: This variant is located in the RYR2 protein. Computational prediction suggests that this variant may not impact protein structure and function (internally defined REVEL score threshold <= 0.5, PMID: 27666373). To our knowledge, functional studies have not been reported for this variant. This variant has not been reported in individuals affected with cardiovascular disorders in the literature. This variant has been identified in 10/265914 chromosomes in the general population by the Genome Aggregation Database (gnomAD). The available evidence is insufficient to determine the role of this variant in disease conclusively. Therefore, this variant is classified as a Variant of Uncertain Significance.

This study involves interpretation of variants in research participants for the purpose of population health screening. Participant phenotype was not available at the time of variant classification. Additional details can be found in publication PMID: 35346344, PMCID: PMC8962531

Color Diagnostics, LLC DBA Color Health
Classification: Uncertain significance for Cardiomyopathy. Last evaluated: 2024-06-27. Review status: criteria provided, single submitter. Criteria: ACMG Guidelines, 2015. Collection method: clinical testing. Allele origin: germline.
Comment: This variant is located in the RYR2 protein. Computational prediction suggests that this variant may not impact protein structure and function (internally defined REVEL score threshold <= 0.5, PMID: 27666373). To our knowledge, functional studies have not been reported for this variant. This variant has not been reported in individuals affected with cardiovascular disorders in the literature. This variant has been identified in 10/265914 chromosomes in the general population by the Genome Aggregation Database (gnomAD). The available evidence is insufficient to determine the role of this variant in disease conclusively. Therefore, this variant is classified as a Variant of Uncertain Significance.

GeneDx
Classification: Uncertain significance. Last evaluated: 2023-07-03. Review status: criteria provided, single submitter. Criteria: GeneDx Variant Classification Process June 2021. Collection method: clinical testing. Allele origin: germline. Affected: yes.
Comment: Identified in a cohort of individuals referred for whole exome sequencing; however, specific clinical information about the individual harboring this variant was not provided (Landstrom et al., 2017); In silico analysis supports that this missense variant has a deleterious effect on protein structure/function; Not located in one of the three hot-spot regions of the RYR2 gene, where the majority of pathogenic missense variants occur (Medeiros-Domingo et al., 2009); This variant is associated with the following publications: (PMID: 28404607)

Literature cited by the submitters: PubMed 28404607 (cited by Ambry Genetics).